The following is an entry in ClinVar:

ClinVar aggregate classification (germline): Pathogenic (1 of 4 stars; one submission).

Conditions:
Tuberous sclerosis 2 (TSC2). Identifiers: Orphanet 805, MedGen C1860707, MONDO:0013199, OMIM 613254.

Submission:

Labcorp Genetics (formerly Invitae), Labcorp
Classification: Pathogenic for Tuberous sclerosis 2. Last evaluated: 2018-03-27. Review status: criteria provided, single submitter. Criteria: Invitae Variant Classification Sherloc (09022015). Collection method: clinical testing. Allele origin: germline.
Comment: This variant is a gross deletion of the genomic region encompassing exons 27-42 of the TSC2 gene. The 5' boundary is likely confined to intron 26. The 3' end of this event is unknown as it extends through the termination codon beyond the assayed region for this gene and may encompass additional genes. While this deletion is not anticipated to result in nonsense mediated decay, it is expected to create a truncated protein product or disrupt mRNA translation. This variant has not been reported in the literature in individuals with TSC2-related disease. Similar exon level deletions that extend through the last exon of TSC2 gene have been determined to be pathogenic (PMID:Â¬â€ 11281455, 17287951, 22169896). This suggests that deletion of this region of the TSC2 protein is causative of disease. For these reasons, this variant has been classified as Pathogenic.

NC_000016.10:g.(?_2079012)_(2092208_?)del

Genes: MIR1225 (microRNA 1225; minus strand), PKD1 (polycystin 1, transient receptor potential channel interacting; minus strand), PKD1-AS1 (PKD1 antisense RNA 1; plus strand), TSC2 (TSC complex subunit 2; plus strand). Cytogenetic location: 16p13.3.
Variant type: Deletion.
Identifiers: ClinVar variation 583474 (VCV000583474.1).